The following is an entry in ClinVar:

ClinVar aggregate classification (germline): Uncertain significance. Review status: criteria provided, multiple submitters, no conflicts (2 of 4 stars). 2 submissions from 2 submitters: Uncertain significance (2). Last evaluated 2024-10-27.

Conditions:
Hereditary cancer-predisposing syndrome. Also called: Hereditary neoplastic syndrome; Neoplastic Syndromes, Hereditary; Hereditary Cancer Syndrome; Tumor predisposition. Identifiers: Orphanet 140162, MedGen C0027672, MeSH D009386, MONDO:0015356.

Allele frequency attached by ClinVar (database versions not stated): gnomAD exomes below 0.00001; TOPMed below 0.00001.
gnomAD v4.1: 2 of 1,614,132 alleles (0.00012%); highest among the groups gnomAD compares: East Asian, 0.0022%; no homozygotes.

Submissions (2):

Ambry Genetics
Classification: Uncertain significance for Hereditary cancer-predisposing syndrome. Last evaluated: 2024-10-27. Review status: criteria provided, single submitter. Criteria: Ambry Variant Classification Scheme 2023. Collection method: clinical testing. Allele origin: germline.
Comment: The p.R765C variant (also known as c.2293C>T), located in coding exon 20 of the POLE gene, results from a C to T substitution at nucleotide position 2293. The arginine at codon 765 is replaced by cysteine, an amino acid with highly dissimilar properties. This amino acid position is conserved. In addition, the in silico prediction for this alteration is inconclusive. Based on the available evidence, the clinical significance of this variant remains unclear.

Labcorp Genetics (formerly Invitae), Labcorp
Classification: Uncertain significance. Last evaluated: 2024-06-03. Review status: criteria provided, single submitter. Criteria: Invitae Variant Classification Sherloc (09022015). Collection method: clinical testing. Allele origin: germline.
Comment: This sequence change replaces arginine, which is basic and polar, with cysteine, which is neutral and slightly polar, at codon 765 of the POLE protein (p.Arg765Cys). This variant is not present in population databases (gnomAD no frequency). This variant has not been reported in the literature in individuals affected with POLE-related conditions. ClinVar contains an entry for this variant (Variation ID: 965307). Advanced modeling of protein sequence and biophysical properties (such as structural, functional, and spatial information, amino acid conservation, physicochemical variation, residue mobility, and thermodynamic stability) performed at Invitae indicates that this missense variant is expected to disrupt POLE protein function with a positive predictive value of 80%. In summary, the available evidence is currently insufficient to determine the role of this variant in disease. Therefore, it has been classified as a Variant of Uncertain Significance.

NM_006231.4(POLE):c.2293C>T (p.Arg765Cys)

Gene: POLE (DNA polymerase epsilon, catalytic subunit; minus strand). Cytogenetic location: 12q24.33.
Variant type: single nucleotide variant.
Coding change: c.2293C>T on transcript NM_006231.4 (MANE Select); coding-DNA position 2293, C replaced by T.
Protein change: p.Arg765Cys; replaces arginine 765 with cysteine.
Molecular consequence: missense variant.
Genome position (GRCh38, 1-based): chr12:132,667,529, G>A on the plus strand (C>T on the coding strand, the complement: POLE is on the minus strand). VCF-style: chr12-132667529-G-A. GRCh37 (hg19) VCF-style: chr12-133244115-G-A.
Other names: c.2293C>T (NM_006231.2); short protein forms R765C.
Identifiers: ClinVar variation 965307 (VCV000965307.10), dbSNP rs200825008, ClinGen allele CA246287879.